The following is an entry in ClinVar:

ClinVar aggregate classification (germline): Pathogenic (1 of 4 stars; one submission).

Submission:

GeneDx
Classification: Pathogenic. Last evaluated: 2025-09-09. Review status: criteria provided, single submitter. Criteria: GeneDx Variant Classification Process June 2021. Collection method: clinical testing. Allele origin: germline. Affected: yes.
Comment: Canonical splice site variant predicted to result in a null allele in a gene for which loss of function is a known mechanism of disease; Not observed at significant frequency in large population cohorts (gnomAD); Has not been previously published as pathogenic or benign to our knowledge; This variant is associated with the following publications: (PMID: 27535533)

NM_001353345.2(SETD1B):c.5337+1G>A

Gene: SETD1B (SET domain containing 1B, histone lysine methyltransferase; plus strand). Cytogenetic location: 12q24.31.
Variant type: single nucleotide variant.
Coding change: c.5337+1G>A on transcript NM_001353345.2 (MANE Select); the canonical splice donor site of the intron after coding-DNA position 5337, G replaced by A.
Molecular consequence: splice donor variant.
Genome position (GRCh38, 1-based): chr12:121,825,367, G>A. VCF-style: chr12-121825367-G-A. GRCh37 (hg19) VCF-style: chr12-122263273-G-A.
Identifiers: ClinVar variation 4813233 (VCV004813233.1).